The following is an entry in ClinVar:

ClinVar aggregate classification (germline): Uncertain significance (1 of 4 stars; one submission).

Submission:

GeneDx
Classification: Uncertain significance. Last evaluated: 2026-02-04. Review status: criteria provided, single submitter. Criteria: GeneDx Variant Classification Process June 2021. Collection method: clinical testing. Allele origin: germline.
Comment: Not observed at significant frequency in large population cohorts (gnomAD); In silico analysis suggests that this missense variant does not alter protein structure/function; Has not been previously published as pathogenic or benign to our knowledge

NM_013275.6(ANKRD11):c.3679G>C (p.Asp1227His)

Gene: ANKRD11 (ankyrin repeat domain 11; minus strand). Cytogenetic location: 16q24.3.
Variant type: single nucleotide variant.
Coding change: c.3679G>C on transcript NM_013275.6 (MANE Select); coding-DNA position 3679, G replaced by C.
Protein change: p.Asp1227His; replaces aspartic acid 1227 with histidine.
Molecular consequence: missense variant.
Genome position (GRCh38, 1-based): chr16:89,282,863, C>G on the plus strand (G>C on the coding strand, the complement: ANKRD11 is on the minus strand). VCF-style: chr16-89282863-C-G. GRCh37 (hg19) VCF-style: chr16-89349271-C-G.
Other names: c.3679G>C, p.Asp1227His (NM_001256182.2, NM_001256183.2); short protein forms D1227H.
Identifiers: ClinVar variation 4975731 (VCV004975731.1).